The following is an entry in ClinVar:

ClinVar aggregate classification (germline): Uncertain significance (1 of 4 stars; one submission).

Conditions:
UGT1A1-related disorder. Also called: UGT1A1-related disorders; UGT1A1-related condition.

Allele frequency attached by ClinVar (database versions not stated): gnomAD exomes below 0.00001; TOPMed below 0.00001.
gnomAD v4.1: 1 of 1,614,268 alleles (0.000062%); highest among the groups gnomAD compares: Non-Finnish European, 0.000085%; no homozygotes.

Submission:

PreventionGenetics, part of Exact Sciences
Classification: Uncertain significance for UGT1A1-related condition. Last evaluated: 2023-07-19. Review status: criteria provided, single submitter. Criteria: ACMG Guidelines, 2015. Collection method: clinical testing. Allele origin: germline.
Comment: The UGT1A1 c.254G>A variant is predicted to result in the amino acid substitution p.Arg85Lys. To our knowledge, this variant has not been reported in the literature or in a large population database, indicating this variant is rare. At this time, the clinical significance of this variant is uncertain due to the absence of conclusive functional and genetic evidence.

NM_000463.3(UGT1A1):c.254G>A (p.Arg85Lys)

Genes: UGT1A (UDP glucuronosyltransferase family 1 member A complex locus; plus strand), UGT1A1 (UDP glucuronosyltransferase family 1 member A1; plus strand), UGT1A10 (UDP glucuronosyltransferase family 1 member A10; plus strand), UGT1A3 (UDP glucuronosyltransferase family 1 member A3; plus strand), UGT1A4 (UDP glucuronosyltransferase family 1 member A4; plus strand) and 5 more. Cytogenetic location: 2q37.1.
Variant type: single nucleotide variant.
Coding change: c.254G>A on transcript NM_000463.3 (MANE Select); coding-DNA position 254, G replaced by A.
Protein change: p.Arg85Lys; replaces arginine 85 with lysine.
Molecular consequence: missense variant. On other transcripts: intron variant (9).
Genome position (GRCh38, 1-based): chr2:233,760,541, G>A. VCF-style: chr2-233760541-G-A. GRCh37 (hg19) VCF-style: chr2-234669187-G-A.
Other names: c.856-6493G>A (NM_019076.5, NM_019075.4, NM_021027.3 and 1 more transcripts); c.61-6493G>A (NM_205862.3); c.862-6493G>A (NM_001072.4); c.868-6493G>A (NM_019078.2, NM_007120.3, NM_019093.4); short protein forms R85K.
Identifiers: ClinVar variation 2636430 (VCV002636430.1), dbSNP rs1321370763, ClinGen allele CA351066261.